The following is an entry in ClinVar:

ClinVar aggregate classification (germline): Likely benign (1 of 4 stars; one submission).

Allele frequency attached by ClinVar (database versions not stated): gnomAD 0.00673; gnomAD exomes 0.00877.
gnomAD v4.1: 522 of 75,940 alleles (0.69%); highest among the groups gnomAD compares: East Asian, 1.5%; no homozygotes.

Submission:

CeGaT Center for Human Genetics Tuebingen
Classification: Likely benign. Last evaluated: 2023-09-01. Review status: criteria provided, single submitter. Criteria: CeGaT Center For Human Genetics Tuebingen Variant Classification Criteria Version 2. Collection method: clinical testing. Allele origin: germline. Affected: yes. Observed: 4 variant alleles.
Comment: KCNQ1OT1: BS1

NM_000218.3(KCNQ1):c.1514+12752A>T

Genes: KCNQ1 (potassium voltage-gated channel subfamily Q member 1; plus strand), KCNQ1OT1 (KCNQ1 opposite strand/antisense transcript 1; minus strand). Cytogenetic location: 11p15.5.
Variant type: single nucleotide variant.
Coding change: c.1514+12752A>T on transcript NM_000218.3 (MANE Select); 12752 bases into the intron after coding-DNA position 1514, A replaced by T.
Molecular consequence: intron variant.
Genome position (GRCh38, 1-based): chr11:2,674,833, A>T. VCF-style: chr11-2674833-A-T. GRCh37 (hg19) VCF-style: chr11-2696063-A-T.
Other names: c.1244+12752A>T (NM_001406837.1); c.1418+12752A>T (NM_001406836.1); c.974+12752A>T (NM_001406838.1); c.1133+12752A>T (NM_181798.2).
Identifiers: ClinVar variation 2578645 (VCV002578645.25), dbSNP rs1031840223, ClinGen allele CA216180555.